The following is an entry in ClinVar:

ClinVar aggregate classification (germline): Uncertain significance (1 of 4 stars; one submission).

Submission:

Labcorp Genetics (formerly Invitae), Labcorp
Classification: Uncertain significance. Last evaluated: 2023-11-20. Review status: criteria provided, single submitter. Criteria: Invitae Variant Classification Sherloc (09022015). Collection method: clinical testing. Allele origin: germline.
Comment: This variant, c.3129_3131del, results in the deletion of 1 amino acid(s) of the ADAMTSL4 protein (p.Val1044del), but otherwise preserves the integrity of the reading frame. This variant is not present in population databases (gnomAD no frequency). This variant has not been reported in the literature in individuals affected with ADAMTSL4-related conditions. Experimental studies and prediction algorithms are not available or were not evaluated, and the functional significance of this variant is currently unknown. In summary, the available evidence is currently insufficient to determine the role of this variant in disease. Therefore, it has been classified as a Variant of Uncertain Significance.

NM_019032.6(ADAMTSL4):c.3126GGT[1] (p.Val1044del)

Gene: ADAMTSL4 (ADAMTS like 4; plus strand). Cytogenetic location: 1q21.2.
Variant type: Microsatellite.
Coding change: c.3126GGT[1] on transcript NM_019032.6 (MANE Select); one copy of the 3-base unit GGT starting at c.3126; the reference has two copies in a row; one copy, 3 bases deleted.
Protein change: p.Val1044del; deletes valine 1044.
Molecular consequence: inframe deletion.
Genome position (GRCh38, 1-based): chr1:150,560,100-150,560,102, GGT deleted; deleting any 3 consecutive bases within chr1:150,560,096-150,560,102 gives the same sequence; the position shown is the placement nearest the transcript's 3' end. VCF-style (leftmost placement, unchanged base first): chr1-150560095-CTGG-C. GRCh37 (hg19) VCF-style: chr1-150532571-CTGG-C.
Other names: c.3009GGT[1], p.Val1005del (NM_001288607.2); c.3195GGT[1], p.Val1067del (NM_001288608.2); c.3126GGT[1], p.Val1044del (NM_001378596.1); short protein forms V1044del, V1067del, V1005del.
Identifiers: ClinVar variation 1496709 (VCV001496709.4), dbSNP rs768149976, ClinGen allele CA1078961.